The following is an entry in ClinVar:

ClinVar aggregate classification (germline): Uncertain significance. Review status: criteria provided, single submitter (1 of 4 stars). 2 submissions from 2 submitters: Uncertain significance (1). 1 of the submissions does not count toward it. Last evaluated 2021-09-29.

Conditions:
Rod-cone dystrophy. Identifiers: MedGen C4551714, HP:0000510.

Allele frequency attached by ClinVar (database versions not stated): gnomAD exomes 0.00001; TOPMed 0.00001; ExAC 0.00001; gnomAD 0.00001.

Submissions (2):

Maternalfetal Medicine, Genetics and Reproduction, University Hospital Virgen del Rocio/CIBERER
Classification: Uncertain significance for Rod-cone dystrophy. Last evaluated: 2021-09-29. Review status: criteria provided, single submitter. Criteria: ACMG Guidelines, 2015. Collection method: clinical testing. Allele origin: germline. Inheritance: Autosomal recessive inheritance. Affected: yes. Observed: 1 homozygote.
Comment: The c.337C>T (p.Arg113Trp) variant in the candidate gene CFAP20 has been detected by WGS in one consanguineous family with autosomal recessive Retinitis pigmentosa. Although further studies are needed, the available functional, clinical, and mutational data enabled us to propose this variant as a likely cause of the RP in this family.

Inherited Eye Disorders lab, UCL Institute of Ophthalmology
Classification: Likely pathogenic for Rod-cone dystrophy. Last evaluated: 2022-07-28. Review status: no assertion criteria provided. Collection method: research. Allele origin: inherited. Affected: yes. Observed: 1 compound heterozygote. Segregation with disease not observed. Not counted in ClinVar's aggregate classification.

Literature cited by the submitters: PubMed 35246562 (cited by Maternalfetal Medicine, Genetics and Reproduction, University Hospital Virgen del Rocio/CIBERER).

NM_013242.3(CFAP20):c.337C>T (p.Arg113Trp)

Gene: CFAP20 (cilia and flagella associated protein 20; minus strand). Cytogenetic location: 16q21.
Variant type: single nucleotide variant.
Coding change: c.337C>T on transcript NM_013242.3 (MANE Select); coding-DNA position 337, C replaced by T.
Protein change: p.Arg113Trp; replaces arginine 113 with tryptophan.
Molecular consequence: missense variant. On other transcripts: non-coding transcript variant (1).
Genome position (GRCh38, 1-based): chr16:58,115,397, G>A on the plus strand (C>T on the coding strand, the complement: CFAP20 is on the minus strand). VCF-style: chr16-58115397-G-A. GRCh37 (hg19) VCF-style: chr16-58149301-G-A.
Other names: p.Arg113Trp; short protein forms R113W.
Identifiers: ClinVar variation 1334470 (VCV001334470.6), dbSNP rs767845554, ClinGen allele CA8085828.
Genomic context (GRCh38, chr16:58,115,397, plus strand): 5'-GAATCTGGTTCCAGCCGTCATCCAGCCGCATGGGCATGGTGCAGATGAAGGGTTTGACCC[G>A]GGTGGTGCTCTGGTAGTTACTTGCCCGAAAGCGACGACGCACATTCTTGTCATCTAGTAC-3'
Protein context (NP_037374.1, residues 103-123): FRASNYQSTT[Arg113Trp]VKPFICTMPM